The following is an entry in ClinVar:

NM_006031.6(PCNT):c.405C>A (p.Val135=)

Gene: PCNT (pericentrin; plus strand). Cytogenetic location: 21q22.3.
Variant type: single nucleotide variant.
Coding change: c.405C>A on transcript NM_006031.6 (MANE Select); coding-DNA position 405, C replaced by A.
Protein change: p.Val135=; no amino-acid change (valine 135 retained).
Molecular consequence: synonymous variant.
Genome position (GRCh38, 1-based): chr21:46,334,534, C>A. VCF-style: chr21-46334534-C-A. GRCh37 (hg19) VCF-style: chr21-47754448-C-A.
Other names: c.51C>A, p.Val17= (NM_001315529.2); c.405C>A (NM_006031.5).
Identifiers: ClinVar variation 3624168 (VCV003624168.3).
Genomic context (GRCh38, chr21:46,334,534, plus strand): 5'-GCAGTGTGGGATGTTCACAGTCAGTGACCACCCACCAGAACAGCATGGGATGTTCACAGT[C>A]GGTGACCACCCACCAGAACAGCGTGGGATGTTCACAGTCAGTGACCACCCACCAGAACAG-3'
Protein context (NP_006022.3, residues 125-145): HPPEQHGMFT[Val135=]GDHPPEQRGM

ClinVar aggregate classification (germline): Likely benign. Review status: criteria provided, multiple submitters, no conflicts (2 of 4 stars). 2 submissions from 2 submitters: Likely benign (2). Last evaluated 2025-10-30.

Conditions:
PCNT-related disorder. Also called: PCNT-related condition.

Submissions (2):

PreventionGenetics, part of Exact Sciences
Classification: Likely benign for PCNT-related condition. Last evaluated: 2025-10-30. Review status: criteria provided, single submitter. Criteria: ACMG Guidelines, 2015. Collection method: clinical testing. Allele origin: germline.
Comment: This variant is classified as likely benign based on ACMG/AMP sequence variant interpretation guidelines (Richards et al. 2015 PMID: 25741868, with internal and published modifications).

Labcorp Genetics (formerly Invitae), Labcorp
Classification: Likely benign. Last evaluated: 2024-09-26. Review status: criteria provided, single submitter. Criteria: Invitae Variant Classification Sherloc (09022015). Collection method: clinical testing. Allele origin: germline.